The following is an entry in ClinVar:

ClinVar aggregate classification (germline): Benign/Likely benign. Review status: criteria provided, multiple submitters, no conflicts (2 of 4 stars). 2 submissions from 2 submitters: Benign (1); Likely benign (1). Last evaluated 2026-02-01.

Allele frequency attached by ClinVar (database versions not stated): TOPMed 0.00002; gnomAD 0.00005; gnomAD exomes 0.00006 and 0.00011; ExAC 0.00014; 1000 Genomes Project 30x 0.00016; 1000 Genomes Project 0.00020.
gnomAD v4.1: 96 of 1,612,108 alleles (0.006%); highest among the groups gnomAD compares: South Asian, 0.081%; no homozygotes.

Submissions (2):

CeGaT Center for Human Genetics Tuebingen
Classification: Likely benign. Last evaluated: 2026-02-01. Review status: criteria provided, single submitter. Criteria: CeGaT Center For Human Genetics Tuebingen Variant Classification Criteria Version 2. Collection method: clinical testing. Allele origin: germline. Affected: yes. Observed: 1 variant allele.
Comment: SMARCA2: BP4, BP7

GeneDx
Classification: Benign. Last evaluated: 2021-11-26. Review status: criteria provided, single submitter. Criteria: GeneDx Variant Classification Process June 2021. Collection method: clinical testing. Allele origin: germline. Affected: yes.

NM_003070.5(SMARCA2):c.645G>A (p.Leu215=)

Gene: SMARCA2 (SWI/SNF related BAF chromatin remodeling complex subunit ATPase 2; plus strand). Cytogenetic location: 9p24.3.
Variant type: single nucleotide variant.
Coding change: c.645G>A on transcript NM_003070.5 (MANE Select); coding-DNA position 645, G replaced by A.
Protein change: p.Leu215=; no amino-acid change (leucine 215 retained).
Molecular consequence: synonymous variant.
Genome position (GRCh38, 1-based): chr9:2,039,755, G>A. VCF-style: chr9-2039755-G-A. GRCh37 (hg19) VCF-style: chr9-2039755-G-A.
Other names: c.645G>A, p.Leu215= (NM_001289396.2, NM_001289397.2, NM_139045.4).
Identifiers: ClinVar variation 1326519 (VCV001326519.6), dbSNP rs554962671, ClinGen allele CA4962896.